The following is an entry in ClinVar:

NM_016356.5(DCDC2):c.1044C>T (p.Asp348=)

Gene: DCDC2 (doublecortin domain containing 2; minus strand). Cytogenetic location: 6p22.3.
Variant type: single nucleotide variant.
Coding change: c.1044C>T on transcript NM_016356.5 (MANE Select); coding-DNA position 1044, C replaced by T.
Protein change: p.Asp348=; no amino-acid change (aspartic acid 348 retained).
Molecular consequence: synonymous variant.
Genome position (GRCh38, 1-based): chr6:24,178,612, G>A on the plus strand (C>T on the coding strand, the complement: DCDC2 is on the minus strand). VCF-style: chr6-24178612-G-A. GRCh37 (hg19) VCF-style: chr6-24178840-G-A.
Other names: p.Asp348=; c.1044C>T, p.Asp348= (NM_001195610.2).
Identifiers: ClinVar variation 466321 (VCV000466321.61), dbSNP rs143313706, ClinGen allele CA3654519.

ClinVar aggregate classification (germline): Benign/Likely benign. Review status: criteria provided, multiple submitters, no conflicts (2 of 4 stars). 9 submissions from 9 submitters: Benign (6); Likely benign (3). Last evaluated 2026-06-01.

Conditions:
DCDC2-related disorder. Also called: DCDC2-related condition.
Autosomal recessive nonsyndromic hearing loss 66 (DFNB66). Also called: Deafness, autosomal recessive 66. Identifiers: Orphanet 90636, MedGen C1857750, MONDO:0012442, OMIM 610212.
Isolated neonatal sclerosing cholangitis (NSC). Also called: Sclerosing cholangitis, neonatal. Identifiers: Orphanet 480556, MedGen C4479344, MONDO:0018816, OMIM 617394.
Nephronophthisis 19 (NPHP19). Identifiers: Orphanet 84081, MedGen C4015542, MONDO:0014537, OMIM 616217.

Allele frequency attached by ClinVar (database versions not stated): 1000 Genomes Project 0.00080; 1000 Genomes Project 30x 0.00094; ESP Exome Variant Server 0.00238; gnomAD 0.00286 and 0.00291; TOPMed 0.00319; ExAC 0.00340.
gnomAD v4.1: 5,044 of 1,612,918 alleles (0.31%); highest among the groups gnomAD compares: Middle Eastern, 0.87%; 33 homozygotes.

Submissions (9):

CeGaT Center for Human Genetics Tuebingen
Classification: Likely benign. Last evaluated: 2026-06-01. Review status: criteria provided, single submitter. Criteria: CeGaT Center For Human Genetics Tuebingen Variant Classification Criteria Version 2. Collection method: clinical testing. Allele origin: germline. Affected: yes. Observed: 8 variant alleles.
Comment: DCDC2: BP4, BP7, BS2

Labcorp Genetics (formerly Invitae), Labcorp
Classification: Benign for Autosomal recessive nonsyndromic hearing loss 66; Isolated neonatal sclerosing cholangitis. Last evaluated: 2026-01-22. Review status: criteria provided, single submitter. Criteria: Invitae Variant Classification Sherloc (09022015). Collection method: clinical testing. Allele origin: germline.

PreventionGenetics, part of Exact Sciences
Classification: Benign for DCDC2-related condition. Last evaluated: 2025-05-19. Review status: criteria provided, single submitter. Criteria: ACMG Guidelines, 2015. Collection method: clinical testing. Allele origin: germline.
Comment: This variant is classified as benign based on ACMG/AMP sequence variant interpretation guidelines (Richards et al. 2015 PMID: 25741868, with internal and published modifications).

Mayo Clinic Laboratories, Mayo Clinic
Classification: Benign. Last evaluated: 2024-06-10. Review status: criteria provided, single submitter. Criteria: ACMG Guidelines, 2015. Collection method: clinical testing. Allele origin: germline. Observed: 6 variant alleles.
Comment: BS1, BS2, BP4, BP7

Fulgent Genetics
Classification: Likely benign for Autosomal recessive nonsyndromic hearing loss 66; Nephronophthisis 19; Isolated neonatal sclerosing cholangitis. Last evaluated: 2021-11-02. Review status: criteria provided, single submitter. Criteria: ACMG Guidelines, 2015. Collection method: clinical testing. Allele origin: unknown.

Athena Diagnostics
Classification: Benign. Last evaluated: 2020-08-24. Review status: criteria provided, single submitter. Criteria: Athena Diagnostics criteria. Collection method: clinical testing. Allele origin: unknown.

GeneDx
Classification: Benign. Last evaluated: 2018-08-09. Review status: criteria provided, single submitter. Criteria: GeneDx Variant Classification Process June 2021. Collection method: clinical testing. Allele origin: germline. Affected: yes.

Eurofins Ntd Llc (ga)
Classification: Benign. Last evaluated: 2017-02-01. Review status: criteria provided, single submitter. Criteria: EGL Classification Definitions 2015. Collection method: clinical testing. Allele origin: germline. Observed: 1 variant allele, 1 heterozygote.

Breakthrough Genomics
Classification: Likely benign. Review status: criteria provided, single submitter. Criteria: ACMG Guidelines, 2015. Collection method: not provided. Allele origin: germline. Inheritance: Autosomal recessive inheritance. Affected: yes.